The following is an entry in ClinVar:

NM_001004334.4(GPR179):c.1216C>A (p.Arg406Ser)

Gene: GPR179 (G protein-coupled receptor 179; minus strand). Cytogenetic location: 17q12.
Variant type: single nucleotide variant.
Coding change: c.1216C>A on transcript NM_001004334.4 (MANE Select); coding-DNA position 1216, C replaced by A.
Protein change: p.Arg406Ser; replaces arginine 406 with serine.
Molecular consequence: missense variant.
Genome position (GRCh38, 1-based): chr17:38,336,989, G>T on the plus strand (C>A on the coding strand, the complement: GPR179 is on the minus strand). VCF-style: chr17-38336989-G-T. GRCh37 (hg19) VCF-style: chr17-36492872-G-T.
Other names: c.1216C>A (NM_001004334.2); short protein forms R406S.
Identifiers: ClinVar variation 1946492 (VCV001946492.7), dbSNP rs373472248, ClinGen allele CA398887542.

ClinVar aggregate classification (germline): Uncertain significance. Review status: criteria provided, multiple submitters, no conflicts (2 of 4 stars). 2 submissions from 2 submitters: Uncertain significance (2). Last evaluated 2023-02-07.

Conditions:
Inborn genetic diseases. Identifiers: MedGen C0950123, MeSH D030342.

gnomAD v4.1: 1 of 1,597,784 alleles (0.000063%); highest among the groups gnomAD compares: Admixed American, 0.0017%; no homozygotes.

Submissions (2):

Ambry Genetics
Classification: Uncertain significance for Inborn genetic diseases. Last evaluated: 2023-02-07. Review status: criteria provided, single submitter. Criteria: Ambry Variant Classification Scheme 2023. Collection method: clinical testing. Allele origin: germline.

Labcorp Genetics (formerly Invitae), Labcorp
Classification: Uncertain significance. Last evaluated: 2022-07-30. Review status: criteria provided, single submitter. Criteria: Invitae Variant Classification Sherloc (09022015). Collection method: clinical testing. Allele origin: germline.
Comment: This sequence change replaces arginine, which is basic and polar, with serine, which is neutral and polar, at codon 406 of the GPR179 protein (p.Arg406Ser). This variant is not present in population databases (gnomAD no frequency). This variant has not been reported in the literature in individuals affected with GPR179-related conditions. Algorithms developed to predict the effect of missense changes on protein structure and function are either unavailable or do not agree on the potential impact of this missense change (SIFT: "Tolerated"; PolyPhen-2: "Possibly Damaging"; Align-GVGD: "Class C0"). In summary, the available evidence is currently insufficient to determine the role of this variant in disease. Therefore, it has been classified as a Variant of Uncertain Significance.